The following is an entry in ClinVar:

ClinVar aggregate classification (germline): Uncertain significance (1 of 4 stars; one submission).

Conditions:
Brachyolmia-amelogenesis imperfecta syndrome. Also called: PLATYSPONDYLY WITH AMELOGENESIS IMPERFECTA; Tooth agenesis, selective, 6; Dental anomalies and short stature. Identifiers: Orphanet 2899, MedGen C1832594, MONDO:0011018, OMIM 601216. Disease mechanism: loss of function.

Submission:

Labcorp Genetics (formerly Invitae), Labcorp
Classification: Uncertain significance for Brachyolmia-amelogenesis imperfecta syndrome. Last evaluated: 2024-12-08. Review status: criteria provided, single submitter. Criteria: Invitae Variant Classification Sherloc (09022015). Collection method: clinical testing. Allele origin: germline.
Comment: This sequence change replaces cysteine, which is neutral and slightly polar, with glycine, which is neutral and non-polar, at codon 1282 of the LTBP3 protein (p.Cys1282Gly). Information on the frequency of this variant in the gnomAD database is not available, as this variant may be reported differently in the database. This variant has not been reported in the literature in individuals affected with LTBP3-related conditions. Experimental studies and prediction algorithms are not available or were not evaluated, and the functional significance of this variant is currently unknown. In summary, the available evidence is currently insufficient to determine the role of this variant in disease. Therefore, it has been classified as a Variant of Uncertain Significance.

NM_001130144.3(LTBP3):c.3843_3844delinsGG (p.Cys1282Gly)

Gene: LTBP3 (latent transforming growth factor beta binding protein 3; minus strand). Cytogenetic location: 11q13.1.
Variant type: Indel.
Coding change: c.3843_3844delinsGG on transcript NM_001130144.3 (MANE Select); coding-DNA positions 3843 to 3844, CT replaced by GG.
Protein change: p.Cys1282Gly; replaces cysteine 1282 with glycine.
Molecular consequence: missense variant.
Genome position (GRCh38, 1-based): chr11:65,539,148-65,539,149, AG replaced by CC on the plus strand (CT replaced by GG on the coding strand, the reverse complement: LTBP3 is on the minus strand). VCF-style: chr11-65539148-AG-CC. GRCh37 (hg19) VCF-style: chr11-65306619-AG-CC.
Other names: c.3351_3352delinsGG, p.Cys1118Gly (NM_001164266.1); c.3702_3703delinsGG, p.Cys1235Gly (NM_021070.4); short protein forms C1235G, C1282G, C1118G.
Identifiers: ClinVar variation 3726880 (VCV003726880.2).